The following is an entry in ClinVar:

ClinVar aggregate classification (germline): Conflicting classifications of pathogenicity. Review status: criteria provided, conflicting classifications (1 of 4 stars). 3 submissions from 3 submitters: Uncertain significance (2); Likely benign (1). Last evaluated 2025-08-27.

Conditions:
Familial hypercholesterolemia. Also called: Familial hypercholesterolemias; Familial hypercholesterolaemia. Identifiers: MedGen C0020445, MONDO:0005439.
Hypercholesterolemia, autosomal dominant, 3 (FHCL3). Also called: Familial hypercholesterolemia 3; Familial Hypercholesterolemia, Autosomal Dominant, 3; PCSK9-Related Familial Hypercholesterolemia, Autosomal Dominant. Identifiers: MedGen C1863551, MONDO:0011369, OMIM 603776.

Allele frequency attached by ClinVar (database versions not stated): gnomAD exomes below 0.00001 and 0.00002; ExAC 0.00002.

Submissions (3):

Color Diagnostics, LLC DBA Color Health
Classification: Likely benign for Familial hypercholesterolemia. Last evaluated: 2025-08-27. Review status: criteria provided, single submitter. Criteria: ACMG Guidelines, 2015. Collection method: clinical testing. Allele origin: germline.

Women's Health and Genetics/Laboratory Corporation of America, LabCorp
Classification: Uncertain significance. Last evaluated: 2024-05-20. Review status: criteria provided, single submitter. Criteria: LabCorp Variant Classification Summary - May 2015. Collection method: clinical testing. Allele origin: germline.

All of Us Research Program, National Institutes of Health
Classification: Uncertain significance for Hypercholesterolemia, autosomal dominant, 3. Last evaluated: 2023-08-15. Review status: criteria provided, single submitter. Criteria: ACMG Guidelines, 2015. Collection method: clinical testing. Allele origin: germline. Inheritance: Autosomal dominant inheritance. Observed: 1 variant allele, 1 heterozygote.
Comment: This missense variant replaces histidine with arginine at codon 417 of the PCSK9 protein. Computational prediction tool suggests that this variant may not impact protein structure and function (internally defined REVEL score threshold <=0.5, PMID: 27666373). Splice site prediction tools suggest that this variant may not impact RNA splicing. To our knowledge, functional studies have not been performed for this variant. This variant has not been reported in individuals affected with familial hypercholesterolemia in the literature. This variant has been identified in 5/251242 chromosomes in the general population by the Genome Aggregation Database (gnomAD). The available evidence is insufficient to determine the role of this variant in disease conclusively. Therefore, this variant is classified as a Variant of Uncertain Significance.

This study involves interpretation of variants in research participants for the purpose of population health screening. Participant phenotype was not available at the time of variant classification. Additional details can be found in publication PMID: 35346344, PMCID: PMC8962531

NM_174936.4(PCSK9):c.1250A>G (p.His417Arg)

Gene: PCSK9 (proprotein convertase subtilisin/kexin type 9; plus strand). Cytogenetic location: 1p32.3.
Variant type: single nucleotide variant.
Coding change: c.1250A>G on transcript NM_174936.4 (MANE Select); coding-DNA position 1250, A replaced by G.
Protein change: p.His417Arg; replaces histidine 417 with arginine.
Molecular consequence: missense variant.
Genome position (GRCh38, 1-based): chr1:55,058,105, A>G. VCF-style: chr1-55058105-A-G. GRCh37 (hg19) VCF-style: chr1-55523778-A-G.
Other names: c.1373A>G, p.His458Arg (NM_001407240.1); c.1250A>G, p.His417Arg (NM_001407241.1); c.1253A>G, p.His418Arg (NM_001407242.1); c.1193A>G, p.His398Arg (NM_001407243.1); c.1058A>G, p.His353Arg (NM_001407245.1); c.875A>G, p.His292Arg (NM_001407246.1); short protein forms H417R, H353R, H292R, H398R, H418R, H458R.
Identifiers: ClinVar variation 921730 (VCV000921730.7), dbSNP rs769163891, ClinGen allele CA036077.